The following is an entry in ClinVar:

NM_001371986.1(UNC80):c.3904G>C (p.Gly1302Arg)

Gene: UNC80 (unc-80 subunit of NALCN channel complex; plus strand). Cytogenetic location: 2q34.
Variant type: single nucleotide variant.
Coding change: c.3904G>C on transcript NM_001371986.1 (MANE Select); coding-DNA position 3904, G replaced by C.
Protein change: p.Gly1302Arg; replaces glycine 1302 with arginine.
Molecular consequence: missense variant.
Genome position (GRCh38, 1-based): chr2:209,878,017, G>C. VCF-style: chr2-209878017-G-C. GRCh37 (hg19) VCF-style: chr2-210742741-G-C.
Other names: c.3910G>C, p.Gly1304Arg (NM_032504.2); c.3895G>C, p.Gly1299Arg (NM_182587.4); c.3910G>C (NM_032504.1); short protein forms G1299R, G1302R, G1304R.
Identifiers: ClinVar variation 1428465 (VCV001428465.7), dbSNP rs1005606432, ClinGen allele CA65035937.

ClinVar aggregate classification (germline): Uncertain significance. Review status: criteria provided, multiple submitters, no conflicts (2 of 4 stars). 3 submissions from 3 submitters: Uncertain significance (3). Last evaluated 2024-05-16.

Conditions:
Hypotonia, infantile, with psychomotor retardation and characteristic facies 2 (IHPRF2). Also called: UNC80 Deficiency. Identifiers: Orphanet 371364, Orphanet 700333, MedGen C4225203, MONDO:0014777, OMIM 616801.
Inborn genetic diseases. Identifiers: MedGen C0950123, MeSH D030342.

Allele frequency attached by ClinVar (database versions not stated): TOPMed 0.00005; gnomAD exomes 0.00006.
gnomAD v4.1: 30 of 1,546,014 alleles (0.0019%); highest among the groups gnomAD compares: Admixed American, 0.034%; no homozygotes.

Submissions (3):

Ambry Genetics
Classification: Uncertain significance for Inborn genetic diseases. Last evaluated: 2024-05-16. Review status: criteria provided, single submitter. Criteria: Ambry Variant Classification Scheme 2023. Collection method: clinical testing. Allele origin: germline.

Laboratorio de Genetica e Diagnostico Molecular, Hospital Israelita Albert Einstein
Classification: Uncertain significance for Hypotonia, infantile, with psychomotor retardation and characteristic facies 2. Last evaluated: 2024-03-15. Review status: criteria provided, single submitter. Criteria: ACMG Guidelines, 2015. Collection method: clinical testing. Allele origin: germline. Affected: yes.
Comment: ACMG classification criteria: PM2 supporting, PP2 supporting, BP4 supporting

Labcorp Genetics (formerly Invitae), Labcorp
Classification: Uncertain significance. Last evaluated: 2022-10-02. Review status: criteria provided, single submitter. Criteria: Invitae Variant Classification Sherloc (09022015). Collection method: clinical testing. Allele origin: germline.
Comment: This sequence change replaces glycine, which is neutral and non-polar, with arginine, which is basic and polar, at codon 1304 of the UNC80 protein (p.Gly1304Arg). This variant is present in population databases (no rsID available, gnomAD 0.04%). This variant has not been reported in the literature in individuals affected with UNC80-related conditions. ClinVar contains an entry for this variant (Variation ID: 1428465). Algorithms developed to predict the effect of missense changes on protein structure and function are either unavailable or do not agree on the potential impact of this missense change (SIFT: "Not Available"; PolyPhen-2: "Probably Damaging"; Align-GVGD: "Not Available"). In summary, the available evidence is currently insufficient to determine the role of this variant in disease. Therefore, it has been classified as a Variant of Uncertain Significance.